The following is an entry in ClinVar:

NM_024312.5(GNPTAB):c.933+1G>A

Gene: GNPTAB (N-acetylglucosamine-1-phosphate transferase subunits alpha and beta; minus strand). Cytogenetic location: 12q23.2.
Variant type: single nucleotide variant.
Coding change: c.933+1G>A on transcript NM_024312.5 (MANE Select); the canonical splice donor site of the intron after coding-DNA position 933, G replaced by A.
Molecular consequence: splice donor variant.
Genome position (GRCh38, 1-based): chr12:101,770,995, C>T on the plus strand (G>A on the coding strand, the complement: GNPTAB is on the minus strand). VCF-style: chr12-101770995-C-T. GRCh37 (hg19) VCF-style: chr12-102164773-C-T.
Identifiers: ClinVar variation 1951119 (VCV001951119.6), dbSNP rs1327876395, ClinGen allele CA386303415.
Genomic context (GRCh38, chr12:101,770,995, plus strand): 5'-TACACATTTTTAACATCTTAACCTTTGATTTGGGCTGTAAAAGCTTCTGTGCATCCCTTA[C>T]CTGGCTGATGGCGCTCAGATCCCATAATAAATATGCAGGACTTATGGTCAGTTCTTTTCC-3'

ClinVar aggregate classification (germline): Likely pathogenic. Review status: criteria provided, multiple submitters, no conflicts (2 of 4 stars). 2 submissions from 2 submitters: Likely pathogenic (2). Last evaluated 2024-05-09.

Conditions:
Pseudo-Hurler polydystrophy. Also called: MUCOLIPIDOSIS IIIA; ML III; ML III ALPHA/BETA; Type III Mucolipidosis; ML IIIA; Mucolipidosis III Alpha/Beta. Identifiers: Orphanet 423461, Orphanet 577, MedGen C0033788, MONDO:0018931, OMIM 252600.
Mucolipidosis type II. Also called: Mucolipidosis II Alpha/Beta; ML II ALPHA/BETA; Mucolipidosis 2; ML 2; Inclusion cell disease; Leroy Disease. Identifiers: Orphanet 576, MedGen C2673377, MONDO:0009650, OMIM 252500.

Allele frequency attached by ClinVar (database versions not stated): gnomAD 0.00001.
gnomAD v4.1: 1 of 1,613,852 alleles (0.000062%); highest among the groups gnomAD compares: Admixed American, 0.0017%; no homozygotes.

Submissions (2):

Fulgent Genetics
Classification: Likely pathogenic for Mucolipidosis type II; Pseudo-Hurler polydystrophy. Last evaluated: 2024-05-09. Review status: criteria provided, single submitter. Criteria: ACMG Guidelines, 2015. Collection method: clinical testing. Allele origin: germline.

Labcorp Genetics (formerly Invitae), Labcorp
Classification: Likely pathogenic for Pseudo-Hurler polydystrophy; Mucolipidosis type II. Last evaluated: 2022-03-27. Review status: criteria provided, single submitter. Criteria: Invitae Variant Classification Sherloc (09022015). Collection method: clinical testing. Allele origin: germline.
Comment: This variant is not present in population databases (gnomAD no frequency). This sequence change affects a donor splice site in intron 8 of the GNPTAB gene. It is expected to disrupt RNA splicing. Variants that disrupt the donor or acceptor splice site typically lead to a loss of protein function (PMID: 16199547), and loss-of-function variants in GNPTAB are known to be pathogenic (PMID: 19617216, 25107912). This variant has not been reported in the literature in individuals affected with GNPTAB-related conditions. In summary, the currently available evidence indicates that the variant is pathogenic, but additional data are needed to prove that conclusively. Therefore, this variant has been classified as Likely Pathogenic. Algorithms developed to predict the effect of sequence changes on RNA splicing suggest that this variant may disrupt the consensus splice site.

Literature cited by the submitters: PubMed 16199547 (cited by Labcorp Genetics (formerly Invitae), Labcorp); PubMed 19617216 (cited by Labcorp Genetics (formerly Invitae), Labcorp); PubMed 25107912 (cited by Labcorp Genetics (formerly Invitae), Labcorp).